The following is an entry in ClinVar:

ClinVar aggregate classification (germline): Uncertain significance (1 of 4 stars; one submission).

Conditions:
Inborn genetic diseases. Identifiers: MedGen C0950123, MeSH D030342.

Submission:

Ambry Genetics
Classification: Uncertain significance for Inborn genetic diseases. Last evaluated: 2026-05-17. Review status: criteria provided, single submitter. Criteria: Ambry Variant Classification Scheme 2023. Collection method: clinical testing. Allele origin: germline.
Comment: The p.Y348H variant (also known as c.1042T>C), located in coding exon 3 of the MBD4 gene, results from a T to C substitution at nucleotide position 1042. The tyrosine at codon 348 is replaced by histidine, an amino acid with similar properties. This amino acid position is conserved. In addition, this alteration is predicted to be tolerated by in silico analysis. Based on the available evidence, the clinical significance of this variant remains unclear.

NM_001276270.2(MBD4):c.1042T>C (p.Tyr348His)

Gene: MBD4 (methyl-CpG binding domain 4, DNA glycosylase; minus strand). Cytogenetic location: 3q21.3.
Variant type: single nucleotide variant.
Coding change: c.1042T>C on transcript NM_001276270.2 (MANE Select); coding-DNA position 1042, T replaced by C.
Protein change: p.Tyr348His; replaces tyrosine 348 with histidine.
Molecular consequence: missense variant. On other transcripts: intron variant (1).
Genome position (GRCh38, 1-based): chr3:129,436,602, A>G on the plus strand (T>C on the coding strand, the complement: MBD4 is on the minus strand). VCF-style: chr3-129436602-A-G. GRCh37 (hg19) VCF-style: chr3-129155445-A-G.
Other names: c.1042T>C, p.Tyr348His (NM_001276271.2, NM_001276272.2, NM_003925.3); c.247+1206T>C (NM_001276273.2); short protein forms Y348H.
Identifiers: ClinVar variation 4859610 (VCV004859610.1).